The following is an entry in ClinVar:

NM_001376.5(DYNC1H1):c.13404G>A (p.Thr4468=)

Gene: DYNC1H1 (dynein cytoplasmic 1 heavy chain 1; plus strand). Cytogenetic location: 14q32.31.
Variant type: single nucleotide variant.
Coding change: c.13404G>A on transcript NM_001376.5 (MANE Select); coding-DNA position 13404, G replaced by A.
Protein change: p.Thr4468=; no amino-acid change (threonine 4468 retained).
Molecular consequence: synonymous variant.
Genome position (GRCh38, 1-based): chr14:102,049,471, G>A. VCF-style: chr14-102049471-G-A. GRCh37 (hg19) VCF-style: chr14-102515808-G-A.
Identifiers: ClinVar variation 472518 (VCV000472518.49), dbSNP rs17541692, ClinGen allele CA7354239.

ClinVar aggregate classification (germline): Likely benign. Review status: criteria provided, multiple submitters, no conflicts (2 of 4 stars). 6 submissions from 6 submitters: Likely benign (6). Last evaluated 2026-01-26.

Conditions:
Inborn genetic diseases. Identifiers: MedGen C0950123, MeSH D030342.
DYNC1H1-related disorder. Also called: DYNC1H1-related condition; DYNC1H1-related disorders. Identifiers: MedGen CN381529.
Charcot-Marie-Tooth disease axonal type 2O. Also called: CHARCOT-MARIE-TOOTH NEUROPATHY, AXONAL, TYPE 2O; CHARCOT-MARIE-TOOTH DISEASE, AXONAL, AUTOSOMAL DOMINANT, TYPE 2O; Charcot-Marie-Tooth Neuropathy Type 2O; Charcot-Marie-Tooth disease, axonal, type 20. Identifiers: Orphanet 284232, MedGen C3280220, MONDO:0013644, OMIM 614228.

Allele frequency attached by ClinVar (database versions not stated): gnomAD 0.00008; TOPMed 0.00009; ESP Exome Variant Server 0.00015; 1000 Genomes Project 30x 0.00016; 1000 Genomes Project 0.00020.
gnomAD v4.1: 289 of 1,614,172 alleles (0.018%); highest among the groups gnomAD compares: Middle Eastern, 0.066%; no homozygotes.

Submissions (6):

Labcorp Genetics (formerly Invitae), Labcorp
Classification: Likely benign for Charcot-Marie-Tooth disease axonal type 2O. Last evaluated: 2026-01-26. Review status: criteria provided, single submitter. Criteria: Invitae Variant Classification Sherloc (09022015). Collection method: clinical testing. Allele origin: germline.

PreventionGenetics, part of Exact Sciences
Classification: Likely benign for DYNC1H1-related condition. Last evaluated: 2025-09-05. Review status: criteria provided, single submitter. Criteria: ACMG Guidelines, 2015. Collection method: clinical testing. Allele origin: germline.
Comment: This variant is classified as likely benign based on ACMG/AMP sequence variant interpretation guidelines (Richards et al. 2015 PMID: 25741868, with internal and published modifications).

Blueprint Genetics
Classification: Likely benign. Last evaluated: 2024-09-05. Review status: criteria provided, single submitter. Criteria: ACMG Guidelines, 2015. Collection method: clinical testing. Allele origin: germline.

CeGaT Center for Human Genetics Tuebingen
Classification: Likely benign. Last evaluated: 2022-01-01. Review status: criteria provided, single submitter. Criteria: CeGaT Center For Human Genetics Tuebingen Variant Classification Criteria Version 2. Collection method: clinical testing. Allele origin: germline. Affected: yes. Observed: 1 variant allele.

Genetic Services Laboratory, University of Chicago
Classification: Likely benign. Last evaluated: 2018-04-16. Review status: criteria provided, single submitter. Criteria: ACMG Guidelines, 2015. Collection method: clinical testing. Allele origin: germline. Affected: no.

Ambry Genetics
Classification: Likely benign for Inborn genetic diseases. Last evaluated: 2017-09-27. Review status: criteria provided, single submitter. Criteria: Ambry Variant Classification Scheme 2023. Collection method: clinical testing. Allele origin: germline.